The following is an entry in ClinVar:

NM_001034853.2(RPGR):c.2409_2479dup (p.Glu827delinsGlyGluGlyArgLysLysArgArgGluGlyLysTer)

Gene: RPGR (retinitis pigmentosa GTPase regulator; minus strand). Cytogenetic location: Xp11.4.
Variant type: Duplication.
Coding change: c.2409_2479dup on transcript NM_001034853.2 (MANE Select); coding-DNA positions 2409 to 2479, 71 bases duplicated.
Protein change: p.Glu827delinsGlyGluGlyArgLysLysArgArgGluGlyLysTer.
Molecular consequence: nonsense. On other transcripts: intron variant (8).
Genome position (GRCh38, 1-based): chrX:38,286,520-38,286,590, 71 bases duplicated. GRCh37 (hg19): chrX:38,145,779-38,145,849.
Other names: NM_001034853.2:c.2409_2479dup; c.1569+4369_1569+4439dup (NM_001367249.1, NM_001367250.1); c.1902+504_1902+574dup (NM_001367245.1); c.1386+4369_1386+4439dup (NM_001367251.1); c.1719+504_1719+574dup (NM_001367246.1); c.1572+4369_1572+4439dup (NM_001367247.1); c.1905+504_1905+574dup (NM_000328.3); c.1602+4369_1602+4439dup (NM_001367248.1).
Identifiers: ClinVar variation 2500933 (VCV002500933.1), dbSNP rs2519790562, ClinGen allele CA2579984164.

ClinVar aggregate classification (germline): Uncertain significance (1 of 4 stars; one submission).

Conditions:
RPGR-related retinopathy. Also called: RPGR retinopathy. Identifiers: MedGen CN305589, MONDO:0100437.

Submission:

Broad Center for Mendelian Genomics, Broad Institute of MIT and Harvard
Classification: Uncertain significance for RPGR-related retinopathy. Last evaluated: 2023-05-02. Review status: criteria provided, single submitter. Criteria: ACMG Guidelines, 2015. Collection method: curation. Allele origin: germline. Inheritance: X-linked inheritance.
Comment: The p.Glu827GlyfsTer12 variant in RPGR has not been previously reported in individuals with retinitis pigmentosa 3. This variant was absent from large population studies. This variant is predicted to cause a frameshift, which alters the protein‚Äôs amino acid sequence beginning at position 827 and leads to a premature termination codon 12 amino acids downstream. This termination codon occurs within the last exon and is more likely to escape nonsense mediated decay (NMD) and result in a truncated protein. Loss of function of the RPGR gene is an established disease mechanism in X-linked retinitis pigmentosa 3. In summary, while there is some suspicion for a pathogenic role, the clinical significance of this variant is uncertain. ACMG/AMP Criteria applied: PVS1_Strong, PM2_Supporting (Richards 2015).